The following is an entry in ClinVar:

NM_000051.4(ATM):c.5542G>A (p.Asp1848Asn)

Gene: ATM (ATM serine/threonine kinase; plus strand). Cytogenetic location: 11q22.3.
Variant type: single nucleotide variant.
Coding change: c.5542G>A on transcript NM_000051.4 (MANE Select); coding-DNA position 5542, G replaced by A.
Protein change: p.Asp1848Asn; replaces aspartic acid 1848 with asparagine.
Molecular consequence: missense variant.
Genome position (GRCh38, 1-based): chr11:108,304,720, G>A. VCF-style: chr11-108304720-G-A. GRCh37 (hg19) VCF-style: chr11-108175447-G-A.
Other names: c.5542G>A, p.Asp1848Asn (NM_001351834.2); short protein forms D1848N.
Identifiers: ClinVar variation 4617663 (VCV004617663.1).

ClinVar aggregate classification (germline): Uncertain significance (1 of 4 stars; one submission).

Conditions:
Hereditary cancer-predisposing syndrome. Also called: Neoplastic Syndromes, Hereditary; Tumor predisposition; Hereditary Cancer Syndrome; Hereditary neoplastic syndrome. Identifiers: Orphanet 140162, MedGen C0027672, MeSH D009386, MONDO:0015356.

Submission:

Ambry Genetics
Classification: Uncertain significance for Hereditary cancer-predisposing syndrome. Last evaluated: 2025-10-14. Review status: criteria provided, single submitter. Criteria: Ambry Variant Classification Scheme 2023. Collection method: clinical testing. Allele origin: germline.
Comment: The p.D1848N variant (also known as c.5542G>A), located in coding exon 36 of the ATM gene, results from a G to A substitution at nucleotide position 5542. The aspartic acid at codon 1848 is replaced by asparagine, an amino acid with highly similar properties. This amino acid position is well conserved in available vertebrate species. In addition, this alteration is predicted to be tolerated by in silico analysis. Based on the available evidence, the clinical significance of this variant remains unclear.